The following is an entry in ClinVar:

ClinVar aggregate classification (germline): Conflicting classifications of pathogenicity. Review status: criteria provided, conflicting classifications (1 of 4 stars). 4 submissions from 4 submitters: Uncertain significance (1); Likely benign (3). Last evaluated 2025-09-29.

Conditions:
Autosomal recessive juvenile Parkinson disease 2. Also called: PARKINSON DISEASE, JUVENILE, AUTOSOMAL RECESSIVE; Parkinson disease, juvenile, type 2; Parkinson disease autosomal recessive, early onset; Juvenile parkinsonism; Parkinsonism, early onset, with diurnal fluctuation; PRKN-Related Early-Onset Parkinson Disease. Identifiers: Orphanet 2828, MedGen C1868675, MONDO:0010820, OMIM 600116.

Allele frequency attached by ClinVar (database versions not stated): gnomAD exomes below 0.00001; ExAC 0.00001; TOPMed 0.00001; gnomAD 0.00006 and 0.00007.
gnomAD v4.1: 18 of 1,614,140 alleles (0.0011%); highest among the groups gnomAD compares: Admixed American, 0.017%; 1 homozygote.

Submissions (4):

Athena Diagnostics
Classification: Likely benign. Last evaluated: 2025-09-29. Review status: criteria provided, single submitter. Criteria: Athena Diagnostics Criteria. Collection method: clinical testing. Allele origin: unknown.
Comment: Computational tools yielded predictions that this variant is unlikely to have an effect on normal RNA splicing. This nucleotide position exhibits low evolutionary conservation.

Labcorp Genetics (formerly Invitae), Labcorp
Classification: Likely benign. Last evaluated: 2024-09-04. Review status: criteria provided, single submitter. Criteria: Invitae Variant Classification Sherloc (09022015). Collection method: clinical testing. Allele origin: germline.

Blueprint Genetics
Classification: Likely benign. Last evaluated: 2024-08-22. Review status: criteria provided, single submitter. Criteria: ACMG Guidelines, 2015. Collection method: clinical testing. Allele origin: germline.

Genetics and Molecular Pathology, SA Pathology
Classification: Uncertain significance for Autosomal recessive juvenile Parkinson disease 2. Last evaluated: 2020-08-25. Review status: criteria provided, single submitter. Criteria: ACMG Guidelines, 2015. Collection method: clinical testing. Allele origin: germline.

NM_004562.3(PRKN):c.744C>G (p.Val248=)

Gene: PRKN (parkin RBR E3 ubiquitin protein ligase; minus strand). Cytogenetic location: 6q26.
Variant type: single nucleotide variant.
Coding change: c.744C>G on transcript NM_004562.3 (MANE Select); coding-DNA position 744, C replaced by G.
Protein change: p.Val248=; no amino-acid change (valine 248 retained).
Molecular consequence: synonymous variant.
Genome position (GRCh38, 1-based): chr6:161,785,899, G>C on the plus strand (C>G on the coding strand, the complement: PRKN is on the minus strand). VCF-style: chr6-161785899-G-C. GRCh37 (hg19) VCF-style: chr6-162206931-G-C.
Other names: c.660C>G, p.Val220= (NM_013987.3); c.297C>G, p.Val99= (NM_013988.3).
Identifiers: ClinVar variation 1082790 (VCV001082790.13), dbSNP rs771437898, ClinGen allele CA4090238.